The following is an entry in ClinVar:

NM_001031710.3(KLHL7):c.1352G>C (p.Cys451Ser)

Gene: KLHL7 (kelch like family member 7; plus strand). Cytogenetic location: 7p15.3.
Variant type: single nucleotide variant.
Coding change: c.1352G>C on transcript NM_001031710.3 (MANE Select); coding-DNA position 1352, G replaced by C.
Protein change: p.Cys451Ser; replaces cysteine 451 with serine.
Molecular consequence: missense variant. On other transcripts: non-coding transcript variant (1).
Genome position (GRCh38, 1-based): chr7:23,168,010, G>C. VCF-style: chr7-23168010-G-C. GRCh37 (hg19) VCF-style: chr7-23207629-G-C.
Other names: c.1208G>C, p.Cys403Ser (NM_018846.5); short protein forms C403S, C451S.
Identifiers: ClinVar variation 1514370 (VCV001514370.7), dbSNP rs1236875413, ClinGen allele CA366982042.

ClinVar aggregate classification (germline): Uncertain significance. Review status: criteria provided, multiple submitters, no conflicts (2 of 4 stars). 2 submissions from 2 submitters: Uncertain significance (2). Last evaluated 2024-02-17.

Allele frequency attached by ClinVar (database versions not stated): TOPMed below 0.00001; gnomAD exomes 0.00001.
gnomAD v4.1: 3 of 1,614,184 alleles (0.00019%); highest among the groups gnomAD compares: Non-Finnish European, 0.00025%; no homozygotes.

Submissions (2):

Labcorp Genetics (formerly Invitae), Labcorp
Classification: Uncertain significance. Last evaluated: 2024-02-17. Review status: criteria provided, single submitter. Criteria: Invitae Variant Classification Sherloc (09022015). Collection method: clinical testing. Allele origin: germline.
Comment: This sequence change replaces cysteine, which is neutral and slightly polar, with serine, which is neutral and polar, at codon 451 of the KLHL7 protein (p.Cys451Ser). This variant is not present in population databases (gnomAD no frequency). This variant has not been reported in the literature in individuals affected with KLHL7-related conditions. ClinVar contains an entry for this variant (Variation ID: 1514370). An algorithm developed to predict the effect of missense changes on protein structure and function (PolyPhen-2) suggests that this variant is likely to be disruptive. In summary, the available evidence is currently insufficient to determine the role of this variant in disease. Therefore, it has been classified as a Variant of Uncertain Significance.

Blueprint Genetics
Classification: Uncertain significance. Last evaluated: 2019-09-26. Review status: criteria provided, single submitter. Criteria: ACMG Guidelines, 2015. Collection method: clinical testing. Allele origin: germline.